The following is an entry in ClinVar:

NM_014956.5(CEP164):c.4148G>C (p.Gly1383Ala)

Gene: CEP164 (centrosomal protein 164; plus strand). Cytogenetic location: 11q23.3.
Variant type: single nucleotide variant.
Coding change: c.4148G>C on transcript NM_014956.5 (MANE Select); coding-DNA position 4148, G replaced by C.
Protein change: p.Gly1383Ala; replaces glycine 1383 with alanine.
Molecular consequence: missense variant.
Genome position (GRCh38, 1-based): chr11:117,410,879, G>C. VCF-style: chr11-117410879-G-C. GRCh37 (hg19) VCF-style: chr11-117281595-G-C.
Other names: c.4133G>C, p.Gly1378Ala (NM_001271933.2); short protein forms G1378A, G1383A.
Identifiers: ClinVar variation 1023130 (VCV001023130.8), dbSNP rs913817059, ClinGen allele CA229375897.

ClinVar aggregate classification (germline): Uncertain significance (1 of 4 stars; one submission).

Conditions:
Nephronophthisis 15 (NPHP15). Identifiers: Orphanet 3156, MedGen C3541853, MONDO:0013917, OMIM 614845.

Allele frequency attached by ClinVar (database versions not stated): gnomAD exomes below 0.00001; TOPMed 0.00002; gnomAD 0.00005.
gnomAD v4.1: 8 of 1,613,098 alleles (0.0005%); highest among the groups gnomAD compares: African/African-American, 0.011%; no homozygotes.

Submission:

Labcorp Genetics (formerly Invitae), Labcorp
Classification: Uncertain significance for Nephronophthisis 15. Last evaluated: 2024-01-15. Review status: criteria provided, single submitter. Criteria: Invitae Variant Classification Sherloc (09022015). Collection method: clinical testing. Allele origin: germline.
Comment: This sequence change replaces glycine, which is neutral and non-polar, with alanine, which is neutral and non-polar, at codon 1383 of the CEP164 protein (p.Gly1383Ala). This variant is present in population databases (no rsID available, gnomAD 0.02%). This variant has not been reported in the literature in individuals affected with CEP164-related conditions. ClinVar contains an entry for this variant (Variation ID: 1023130). Advanced modeling of protein sequence and biophysical properties (such as structural, functional, and spatial information, amino acid conservation, physicochemical variation, residue mobility, and thermodynamic stability) has been performed at Invitae for this missense variant, however the output from this modeling did not meet the statistical confidence thresholds required to predict the impact of this variant on CEP164 protein function. In summary, the available evidence is currently insufficient to determine the role of this variant in disease. Therefore, it has been classified as a Variant of Uncertain Significance.